The following is an entry in ClinVar:

NM_020433.5(JPH2):c.278G>A (p.Arg93His)

Gene: JPH2 (junctophilin 2; minus strand). Cytogenetic location: 20q13.12.
Variant type: single nucleotide variant.
Coding change: c.278G>A on transcript NM_020433.5 (MANE Select); coding-DNA position 278, G replaced by A.
Protein change: p.Arg93His; replaces arginine 93 with histidine.
Molecular consequence: missense variant.
Genome position (GRCh38, 1-based): chr20:44,186,428, C>T on the plus strand (G>A on the coding strand, the complement: JPH2 is on the minus strand). VCF-style: chr20-44186428-C-T. GRCh37 (hg19) VCF-style: chr20-42815068-C-T.
Other names: c.278G>A, p.Arg93His (NM_175913.4); short protein forms R93H.
Identifiers: ClinVar variation 431015 (VCV000431015.27), dbSNP rs1131692244, ClinGen allele CA409095142.
Genomic context (GRCh38, chr20:44,186,428, plus strand): 5'-CCATTGTTCCAGGTGCCCTCATACTTGGCACCGCTGCTTGAGCTCTGCCGGATTCCGTAG[C>T]GTCCCTTGAAGCCATGTGTCCACTCGCCCTTGTAGAGCCAGCGCCCCTTGGTCTCTATGC-3'
Protein context (NP_065166.2, residues 83-103): KGEWTHGFKG[Arg93His]YGIRQSSSSG

ClinVar aggregate classification (germline): Uncertain significance. Review status: criteria provided, multiple submitters, no conflicts (2 of 4 stars). 4 submissions from 4 submitters: Uncertain significance (4). Last evaluated 2023-02-01.

Conditions:
Primary dilated cardiomyopathy (DCM). Also called: Dilated Cardiomyopathy. Identifiers: Orphanet 217604, MedGen C0007193, MeSH D002311, MONDO:0005021, HP:0001644. Inheritance: Various modes of inheritance.
Cardiomyopathy, dilated, 2E. Identifiers: MedGen C5561970, MONDO:0030366, OMIM 619492.
Hypertrophic cardiomyopathy 17. Identifiers: MedGen C3151264, MONDO:0013474, OMIM 613873.

Allele frequency attached by ClinVar (database versions not stated): gnomAD exomes 0.00001.
gnomAD v4.1: 14 of 1,613,968 alleles (0.00087%); highest among the groups gnomAD compares: Non-Finnish European, 0.001%; no homozygotes.

Submissions (4):

CeGaT Center for Human Genetics Tuebingen
Classification: Uncertain significance. Last evaluated: 2023-02-01. Review status: criteria provided, single submitter. Criteria: CeGaT Center For Human Genetics Tuebingen Variant Classification Criteria Version 2. Collection method: clinical testing. Allele origin: germline. Affected: yes. Observed: 1 variant allele.
Comment: JPH2: PM2

Fulgent Genetics
Classification: Uncertain significance for Hypertrophic cardiomyopathy 17; Cardiomyopathy, dilated, 2E. Last evaluated: 2022-02-09. Review status: criteria provided, single submitter. Criteria: ACMG Guidelines, 2015. Collection method: clinical testing. Allele origin: unknown.

GeneDx
Classification: Uncertain significance. Last evaluated: 2017-08-04. Review status: criteria provided, single submitter. Criteria: GeneDx Variant Classification (06012015). Collection method: clinical testing. Allele origin: germline. Affected: yes.
Comment: A variant of uncertain significance has been identified in the JPH2 gene. The R93H variant has not been published as pathogenic or been reported as benign to our knowledge. The R93H variant is not observed in large population cohorts (Lek et al., 2016; 1000 Genomes Consortium et al., 2015; Exome Variant Server). The R93H variant is a conservative amino acid substitution, which is not likely to impact secondary protein structure as these residues share similar properties. However, this substitution occurs at a position that is conserved across species and in silico analysis predicts this variant is probably damaging to the protein structure/function.

Institute Of Molecular Biology And Genetics, Federal Almazov National Medical Research Centre
Classification: Uncertain significance for Primary dilated cardiomyopathy. Review status: criteria provided, single submitter. Criteria: ACMG Guidelines, 2015. Collection method: research. Allele origin: germline. Affected: yes. Observed: 1 variant allele, 1 heterozygote.
Comment: No arrhythmia or other criteria of ARVC are observed.